The following is an entry in ClinVar:

ClinVar aggregate classification (germline): Uncertain significance (1 of 4 stars; one submission).

Conditions:
Fanconi anemia (FA). Also called: Fanconi's anemia. Identifiers: Orphanet 84, MedGen C0015625, MeSH D005199, MONDO:0019391.

Submission:

Sema4
Classification: Uncertain significance for Fanconi anemia. Last evaluated: 2021-11-03. Review status: criteria provided, single submitter. Criteria: Sema4 Curation Guidelines. Collection method: curation. Allele origin: germline.
Comment: The FANCA c.3610C>G (p.R1204G) variant has not been reported in the literature to our knowledge. It was not observed in the large and broad cohorts of the Genome Aggregation Database, nor has it been reported in ClinVar. Functional studies have not been performed, and in silico predictions of the variant's effect on protein function are inconclusive. The evidence is insufficient to meet ACMG/AMP criteria for classifying the variant as benign or pathogenic. Thus, the clinical significance of this variant is currently uncertain.

NM_000135.4(FANCA):c.3610C>G (p.Arg1204Gly)

Gene: FANCA (FA complementation group A; minus strand). Cytogenetic location: 16q24.3.
Variant type: single nucleotide variant.
Coding change: c.3610C>G on transcript NM_000135.4 (MANE Select); coding-DNA position 3610, C replaced by G.
Protein change: p.Arg1204Gly; replaces arginine 1204 with glycine.
Molecular consequence: missense variant.
Genome position (GRCh38, 1-based): chr16:89,744,975, G>C on the plus strand (C>G on the coding strand, the complement: FANCA is on the minus strand). VCF-style: chr16-89744975-G-C. GRCh37 (hg19) VCF-style: chr16-89811383-G-C.
Other names: c.3610C>G, p.Arg1204Gly (NM_001286167.3); short protein forms R1204G.
Identifiers: ClinVar variation 1692222 (VCV001692222.1), dbSNP rs759303096, ClinGen allele CA397485604.